The following is an entry in ClinVar:

NM_001365999.1(SZT2):c.5680C>T (p.Arg1894Trp)

Gene: SZT2 (SZT2 subunit of KICSTOR complex; plus strand). Cytogenetic location: 1p34.2.
Variant type: single nucleotide variant.
Coding change: c.5680C>T on transcript NM_001365999.1 (MANE Select); coding-DNA position 5680, C replaced by T.
Protein change: p.Arg1894Trp; replaces arginine 1894 with tryptophan.
Molecular consequence: missense variant.
Genome position (GRCh38, 1-based): chr1:43,433,066, C>T. VCF-style: chr1-43433066-C-T. GRCh37 (hg19) VCF-style: chr1-43898737-C-T.
Other names: c.5509C>T, p.Arg1837Trp (NM_015284.4); c.5509C>T (NM_015284.3); short protein forms R1837W, R1894W.
Identifiers: ClinVar variation 806125 (VCV000806125.46), dbSNP rs761963698, ClinGen allele CA809663.
Genomic context (GRCh38, chr1:43,433,066, plus strand): 5'-AGTGGCTCAGACAGTGAGGGTCCCAATGACACCCTTGGTGAGAAGGCCCCCTTCACATTG[C>T]GGACTCCACCTGGGCCAGCACCTCCACAGCCTTCACTCTCAGGCCTCCCTGGGCCCTGCC-3'
Protein context (NP_001352928.1, residues 1884-1904): TLGEKAPFTL[Arg1894Trp]TPPGPAPPQP

ClinVar aggregate classification (germline): Uncertain significance. Review status: criteria provided, multiple submitters, no conflicts (2 of 4 stars). 4 submissions from 4 submitters: Uncertain significance (4). Last evaluated 2023-04-11.

Conditions:
Inborn genetic diseases. Identifiers: MedGen C0950123, MeSH D030342.
Developmental and epileptic encephalopathy, 18 (DEE18). Also called: Early infantile epileptic encephalopathy 18. Identifiers: Orphanet 369894, MedGen C3809624, MONDO:0014201, OMIM 615476.

Allele frequency attached by ClinVar (database versions not stated): ExAC 0.00004; gnomAD exomes 0.00005 and 0.00006; gnomAD 0.00007; TOPMed 0.00015.

Submissions (4):

Genome-Nilou Lab
Classification: Uncertain significance for Developmental and epileptic encephalopathy, 18. Last evaluated: 2023-04-11. Review status: criteria provided, single submitter. Criteria: ACMG Guidelines, 2015. Collection method: clinical testing. Allele origin: germline. Affected: no.

Labcorp Genetics (formerly Invitae), Labcorp
Classification: Uncertain significance. Last evaluated: 2022-10-14. Review status: criteria provided, single submitter. Criteria: Invitae Variant Classification Sherloc (09022015). Collection method: clinical testing. Allele origin: germline.
Comment: This sequence change replaces arginine, which is basic and polar, with tryptophan, which is neutral and slightly polar, at codon 1837 of the SZT2 protein (p.Arg1837Trp). This variant is present in population databases (rs761963698, gnomAD 0.03%). This variant has not been reported in the literature in individuals affected with SZT2-related conditions. ClinVar contains an entry for this variant (Variation ID: 806125). Algorithms developed to predict the effect of missense changes on protein structure and function output the following: SIFT: "Deleterious"; PolyPhen-2: "Benign"; Align-GVGD: "Class C25". The tryptophan amino acid residue is found in multiple mammalian species, which suggests that this missense change does not adversely affect protein function. In summary, the available evidence is currently insufficient to determine the role of this variant in disease. Therefore, it has been classified as a Variant of Uncertain Significance.

Ambry Genetics
Classification: Uncertain significance for Inborn genetic diseases. Last evaluated: 2021-09-01. Review status: criteria provided, single submitter. Criteria: Ambry Variant Classification Scheme 2023. Collection method: clinical testing. Allele origin: germline.

CeGaT Center for Human Genetics Tuebingen
Classification: Uncertain significance. Last evaluated: 2016-06-01. Review status: criteria provided, single submitter. Criteria: CeGaT Center For Human Genetics Tuebingen Variant Classification Criteria Version 2. Collection method: clinical testing. Allele origin: germline. Affected: yes. Observed: 1 variant allele.